The following is an entry in ClinVar:

NM_000243.3(MEFV):c.401C>T (p.Pro134Leu)

Gene: MEFV (MEFV innate immunity regulator, pyrin; minus strand). Cytogenetic location: 16p13.3.
Variant type: single nucleotide variant.
Coding change: c.401C>T on transcript NM_000243.3 (MANE Select); coding-DNA position 401, C replaced by T.
Protein change: p.Pro134Leu; replaces proline 134 with leucine.
Molecular consequence: missense variant. On other transcripts: intron variant (1).
Genome position (GRCh38, 1-based): chr16:3,254,667, G>A on the plus strand (C>T on the coding strand, the complement: MEFV is on the minus strand). VCF-style: chr16-3254667-G-A. GRCh37 (hg19) VCF-style: chr16-3304667-G-A.
Other names: c.277+1644C>T (NM_001198536.2); short protein forms P134L.
Identifiers: ClinVar variation 1464541 (VCV001464541.5), dbSNP rs377250147, ClinGen allele CA7860441.

ClinVar aggregate classification (germline): Uncertain significance (1 of 4 stars; one submission).

Conditions:
Familial Mediterranean fever (FMF). Also called: Periodic peritonitis; Benign paroxysmal peritonitis; POLYSEROSITIS, FAMILIAL PAROXYSMAL; POLYSEROSITIS, RECURRENT. Identifiers: Orphanet 342, MedGen C0031069, MONDO:0018088, OMIM 249100. Disease mechanism: gain of function.

Allele frequency attached by ClinVar (database versions not stated): gnomAD exomes below 0.00001; gnomAD 0.00001; TOPMed 0.00001; ExAC 0.00001; ESP Exome Variant Server 0.00008.
gnomAD v4.1: 4 of 1,611,014 alleles (0.00025%); highest among the groups gnomAD compares: South Asian, 0.0022%; no homozygotes.

Submission:

Labcorp Genetics (formerly Invitae), Labcorp
Classification: Uncertain significance for Familial Mediterranean fever. Last evaluated: 2021-08-30. Review status: criteria provided, single submitter. Criteria: Invitae Variant Classification Sherloc (09022015). Collection method: clinical testing. Allele origin: germline.
Comment: This sequence change replaces proline with leucine at codon 134 of the MEFV protein (p.Pro134Leu). The proline residue is weakly conserved and there is a moderate physicochemical difference between proline and leucine. This variant is present in population databases (rs377250147, ExAC 0.006%). This variant has not been reported in the literature in individuals affected with MEFV-related conditions. Algorithms developed to predict the effect of missense changes on protein structure and function (SIFT, PolyPhen-2, Align-GVGD) all suggest that this variant is likely to be tolerated. In summary, the available evidence is currently insufficient to determine the role of this variant in disease. Therefore, it has been classified as a Variant of Uncertain Significance.